The following is an entry in ClinVar:

NM_000051.4(ATM):c.5201_5202insAT (p.Thr1735fs)

Gene: ATM (ATM serine/threonine kinase; plus strand). Cytogenetic location: 11q22.3.
Variant type: Insertion.
Coding change: c.5201_5202insAT on transcript NM_000051.4 (MANE Select); coding-DNA positions 5201 to 5202, AT inserted.
Protein change: p.Thr1735fs; shifts the reading frame from threonine 1735.
Molecular consequence: frameshift variant.
Genome position: GRCh38 VCF-style: chr11-108301670-G-GTA. GRCh37 (hg19) VCF-style: chr11-108172397-G-GTA.
Other names: c.5201_5202insAT, p.Thr1735fs (NM_001351834.2); short protein forms T1735fs.
Identifiers: ClinVar variation 181876 (VCV000181876.5), dbSNP rs730881305, ClinGen allele CA298019.

ClinVar aggregate classification (germline): Pathogenic. Review status: criteria provided, multiple submitters, no conflicts (2 of 4 stars). 2 submissions from 2 submitters: Pathogenic (2). Last evaluated 2022-12-23.

Conditions:
Ataxia-telangiectasia syndrome (AT). Also called: LOUIS-BAR SYNDROME; Cerebello-oculocutaneous telangiectasia; Immunodeficiency with ataxia telangiectasia; ATAXIA-TELANGIECTASIA, COMPLEMENTATION GROUP A; ATAXIA-TELANGIECTASIA, FRESNO VARIANT; Ataxia-telangiectasia. Identifiers: Orphanet 100, MedGen C0004135, MONDO:0008840, OMIM 208900.

Submissions (2):

Labcorp Genetics (formerly Invitae), Labcorp
Classification: Pathogenic for Ataxia-telangiectasia syndrome. Last evaluated: 2022-12-23. Review status: criteria provided, single submitter. Criteria: Invitae Variant Classification Sherloc (09022015). Collection method: clinical testing. Allele origin: germline.
Comment: This variant is not present in population databases (gnomAD no frequency). This sequence change creates a premature translational stop signal (p.Thr1735Leufs*4) in the ATM gene. It is expected to result in an absent or disrupted protein product. Loss-of-function variants in ATM are known to be pathogenic (PMID: 23807571, 25614872). This premature translational stop signal has been observed in individual(s) with colon polyps (PMID: 26681312). For these reasons, this variant has been classified as Pathogenic. ClinVar contains an entry for this variant (Variation ID: 181876).

GeneDx
Classification: Pathogenic. Last evaluated: 2014-08-28. Review status: criteria provided, single submitter. Criteria: GeneDx Variant Classification (06012015). Collection method: clinical testing. Allele origin: germline. Affected: yes.
Comment: This insertion of 2 nucleotides in ATM is denoted c.5201_5202insAT at the cDNA level and p.Thr1735LeufsX4 (T1735LfsX4) at the protein level. The normal sequence, with the bases that are inserted in brackets, is CTGT[AT]TACC. The insertion causes a frameshift, which changes a Threonine to a Leucine at codon 1735, and creates a premature stop codon at position 4 of the new reading frame. Although this variant has not, to our knowledge, been reported in the literature, it is predicted to cause loss of normal protein function through either protein truncation or nonsense-mediated mRNA decay. we consider this variant to be pathogenic.The presence of

Literature cited by the submitters: PubMed 23807571 (cited by Labcorp Genetics (formerly Invitae), Labcorp); PubMed 25614872 (cited by Labcorp Genetics (formerly Invitae), Labcorp); PubMed 26681312 (cited by Labcorp Genetics (formerly Invitae), Labcorp).